The following is an entry in ClinVar:

ClinVar aggregate classification (germline): Uncertain significance. Review status: criteria provided, multiple submitters, no conflicts (2 of 4 stars). 2 submissions from 2 submitters: Uncertain significance (2). Last evaluated 2026-04-10.

Conditions:
D-2-hydroxyglutaric aciduria 2 (D2HGA2). Identifiers: Orphanet 79315, MedGen C3150909, MONDO:0013345, OMIM 613657.

Allele frequency attached by ClinVar (database versions not stated): TOPMed below 0.00001; gnomAD exomes 0.00001.
gnomAD v4.1: 2 of 1,361,788 alleles (0.00015%); highest among the groups gnomAD compares: Middle Eastern, 0.026%; no homozygotes.

Submissions (2):

Clinical Genomics Laboratory, Washington University in St. Louis
Classification: Uncertain significance for D-2-hydroxyglutaric aciduria 2. Last evaluated: 2026-04-10. Review status: criteria provided, single submitter. Criteria: ACMG Guidelines, 2015. Collection method: clinical testing. Allele origin: germline.
Comment: An IDH2 c.67C>T (p.Pro23Ser) variant was identified at a heterozygous allelic fraction of 51.3%, a frequency which may be consistent with it being of germline origin. This variant, to our knowledge, has not been reported in the medical literature. It has been reported in the ClinVar database as a germline variant of uncertain significance by one submitter (Variation ID: 1678685). It is only observed on 2/1,361,788 alleles in the general population (gnomAD v4.1.1), indicating it is not a common variant. Computational predictors suggest that the variant does not impact IDH2 function. Due to limited information, and based on ACMG/AMP guidelines for variant interpretation (Richards S et al., PMID: 25741868), the clinical significance of this variant is uncertain at this time.

GeneDx
Classification: Uncertain significance. Last evaluated: 2022-04-25. Review status: criteria provided, single submitter. Criteria: GeneDx Variant Classification Process June 2021. Collection method: clinical testing. Allele origin: germline. Affected: yes.
Comment: Not observed at significant frequency in large population cohorts (gnomAD); In silico analysis supports that this missense variant does not alter protein structure/function; Has not been previously published as pathogenic or benign to our knowledge

NM_002168.4(IDH2):c.67C>T (p.Pro23Ser)

Genes: IDH2 (isocitrate dehydrogenase (NADP(+)) 2; minus strand), IDH2-DT (IDH2 divergent transcript; plus strand). Cytogenetic location: 15q26.1.
Variant type: single nucleotide variant.
Coding change: c.67C>T on transcript NM_002168.4 (MANE Select); coding-DNA position 67, C replaced by T.
Protein change: p.Pro23Ser; replaces proline 23 with serine.
Molecular consequence: missense variant. On other transcripts: non-coding transcript variant (1), 5 prime UTR variant (1).
Genome position (GRCh38, 1-based): chr15:90,102,324, G>A on the plus strand (C>T on the coding strand, the complement: IDH2 is on the minus strand). VCF-style: chr15-90102324-G-A. GRCh37 (hg19) VCF-style: chr15-90645556-G-A.
Other names: c.-66C>T (NM_001290114.2); short protein forms P23S.
Identifiers: ClinVar variation 1678685 (VCV001678685.3), dbSNP rs1433340280, ClinGen allele CA393803606.